The following is an entry in ClinVar:

NM_138694.4(PKHD1):c.9532G>T (p.Gly3178Cys)

Gene: PKHD1 (PKHD1 ciliary IPT domain containing fibrocystin/polyductin; minus strand). Cytogenetic location: 6p12.3.
Variant type: single nucleotide variant.
Coding change: c.9532G>T on transcript NM_138694.4 (MANE Select); coding-DNA position 9532, G replaced by T.
Protein change: p.Gly3178Cys; replaces glycine 3178 with cysteine.
Molecular consequence: missense variant.
Genome position (GRCh38, 1-based): chr6:51,748,084, C>A on the plus strand (G>T on the coding strand, the complement: PKHD1 is on the minus strand). VCF-style: chr6-51748084-C-A. GRCh37 (hg19) VCF-style: chr6-51612882-C-A.
Other names: c.9532G>T, p.Gly3178Cys (NM_170724.3); short protein forms G3178C.
Identifiers: ClinVar variation 1708331 (VCV001708331.7), dbSNP rs2533812777, ClinGen allele CA364420855.

ClinVar aggregate classification (germline): Likely pathogenic. Review status: criteria provided, multiple submitters, no conflicts (2 of 4 stars). 3 submissions from 3 submitters: Likely pathogenic (3). Last evaluated 2024-12-04.

Conditions:
Autosomal recessive polycystic kidney disease (ARPKD). Also called: AR polycystic kidney disease. Identifiers: Orphanet 731, Orphanet 8378, MedGen C0085548, MeSH D017044, MONDO:0009889.

gnomAD v4.1: 3 of 1,613,748 alleles (0.00019%); highest among the groups gnomAD compares: South Asian, 0.0011%; no homozygotes.

Submissions (3):

Women's Health and Genetics/Laboratory Corporation of America, LabCorp
Classification: Likely pathogenic for Autosomal recessive polycystic kidney disease. Last evaluated: 2024-12-04. Review status: criteria provided, single submitter. Criteria: LabCorp Variant Classification Summary - May 2015. Collection method: clinical testing. Allele origin: germline.
Comment: Variant summary: PKHD1 c.9532G>T (p.Gly3178Cys) results in a non-conservative amino acid change in the encoded protein sequence. Five of five in-silico tools predict a damaging effect of the variant on protein function. The variant was absent in 250864 control chromosomes. c.9532G>T has been reported in the literature in individuals affected with Polycystic Kidney And Hepatic Disease (example: Bergmann_2005). These data indicate that the variant is likely to be associated with disease. To our knowledge, no experimental evidence demonstrating an impact on protein function has been reported. The following publication has been ascertained in the context of this evaluation (PMID: 15698423). ClinVar contains an entry for this variant (Variation ID: 1708331). Based on the evidence outlined above, the variant was classified as likely pathogenic.

Labcorp Genetics (formerly Invitae), Labcorp
Classification: Likely pathogenic for Autosomal recessive polycystic kidney disease. Last evaluated: 2023-08-25. Review status: criteria provided, single submitter. Criteria: Invitae Variant Classification Sherloc (09022015). Collection method: clinical testing. Allele origin: germline.
Comment: ClinVar contains an entry for this variant (Variation ID: 1708331). This missense change has been observed in individual(s) with autosomal recessive polycystic kidney disease (PMID: 15698423). It has also been observed to segregate with disease in related individuals. This variant is not present in population databases (gnomAD no frequency). This sequence change replaces glycine, which is neutral and non-polar, with cysteine, which is neutral and slightly polar, at codon 3178 of the PKHD1 protein (p.Gly3178Cys). Advanced modeling of protein sequence and biophysical properties (such as structural, functional, and spatial information, amino acid conservation, physicochemical variation, residue mobility, and thermodynamic stability) performed at Invitae indicates that this missense variant is expected to disrupt PKHD1 protein function. In summary, the currently available evidence indicates that the variant is pathogenic, but additional data are needed to prove that conclusively. Therefore, this variant has been classified as Likely Pathogenic.

Centre of Medical Genetics, University Hospital Muenster
Classification: Likely pathogenic. Last evaluated: 2021-09-29. Review status: criteria provided, single submitter. Criteria: ACMG Guidelines, 2015. Collection method: clinical testing. Allele origin: unknown. Affected: yes. Observed: 1 variant allele, 1 homozygote.
Comment: ACMG categories: PM1,PM2,PP2,PP5

Literature cited by the submitters: PubMed 15698423 (cited by 3 submitters).